The following is an entry in ClinVar:

NM_000132.4(F8):c.*30G>A

Gene: F8 (coagulation factor VIII; minus strand). Cytogenetic location: Xq28.
Variant type: single nucleotide variant.
Coding change: c.*30G>A on transcript NM_000132.4 (MANE Select); 30 bases downstream of the stop codon, G replaced by A.
Molecular consequence: 3 prime UTR variant.
Genome position (GRCh38, 1-based): chrX:154,837,567, C>T on the plus strand (G>A on the coding strand, the complement: F8 is on the minus strand). VCF-style: chrX-154837567-C-T. GRCh37 (hg19) VCF-style: chrX-154065842-C-T.
Other names: c.*30G>A (NM_019863.3).
Identifiers: ClinVar variation 914336 (VCV000914336.4), dbSNP rs376482768, ClinGen allele CA10567717.

ClinVar aggregate classification (germline): Likely benign (1 of 4 stars; one submission).

Conditions:
Hereditary factor VIII deficiency disease (HEMA). Also called: AUTOSOMAL HEMOPHILIA A; Hemophilia A, congenital; HEM A; Factor 8 deficiency, congenital; HEMOPHILIA, CLASSIC; Hemophilia A. Identifiers: Orphanet 98878, MedGen C0019069, MONDO:0010602, OMIM 306700.

Allele frequency attached by ClinVar (database versions not stated): ESP Exome Variant Server 0.00009; gnomAD exomes 0.00018 and 0.00039; gnomAD 0.00019 and 0.00020; TOPMed 0.00027; ExAC 0.00053.
gnomAD v4.1: 225 of 1,184,721 alleles (0.019%); highest among the groups gnomAD compares: South Asian, 0.039%; 2 homozygotes.

Submission:

Illumina Laboratory Services, Illumina
Classification: Likely benign for Hereditary factor VIII deficiency disease. Last evaluated: 2018-01-13. Review status: criteria provided, single submitter. Criteria: ICSL Variant Classification Criteria 13 December 2019. Collection method: clinical testing. Allele origin: germline.
Comment: This variant was observed in the ICSL laboratory as part of a predisposition screen in an ostensibly healthy population. It had not been previously curated by ICSL or reported in the Human Gene Mutation Database (HGMD: prior to June 1st, 2018), and was therefore a candidate for classification through an automated scoring system. Utilizing variant allele frequency, disease prevalence and penetrance estimates, and inheritance mode, an automated score was calculated to assess if this variant is too frequent to cause the disease. Based on the score and internal cut-off values, a variant classified as likely benign is not then subjected to further curation. The score for this variant resulted in a classification of likely benign for this disease.